The following is an entry in ClinVar:

ClinVar aggregate classification (germline): Benign (0 of 4 stars; one submission).

Conditions:
ZFHX2-related disorder. Also called: ZFHX2-related condition.

Allele frequency attached by ClinVar (database versions not stated): TOPMed 0.00386; gnomAD exomes 0.00389; gnomAD 0.00494; 1000 Genomes Project 30x 0.01499; 1000 Genomes Project 0.01558; ExAC 0.03802.
gnomAD v4.1: 6,149 of 1,524,984 alleles (0.4%); highest among the groups gnomAD compares: South Asian, 5.7%; 204 homozygotes.

Submission:

PreventionGenetics, part of Exact Sciences
Classification: Benign for ZFHX2-related condition. Last evaluated: 2019-04-09. Review status: no assertion criteria provided. Collection method: clinical testing. Allele origin: germline.
Comment: This variant is classified as benign based on ACMG/AMP sequence variant interpretation guidelines (Richards et al. 2015 PMID: 25741868, with internal and published modifications).

NM_033400.3(ZFHX2):c.2705G>A (p.Arg902His)

Genes: THTPA (thiamine triphosphatase; plus strand), ZFHX2 (zinc finger homeobox 2; minus strand). Cytogenetic location: 14q11.2.
Variant type: single nucleotide variant.
Coding change: c.2705G>A on transcript NM_033400.3 (MANE Select); coding-DNA position 2705, G replaced by A.
Protein change: p.Arg902His; replaces arginine 902 with histidine.
Molecular consequence: missense variant.
Genome position (GRCh38, 1-based): chr14:23,531,576, C>T on the plus strand (G>A on the coding strand, the complement: ZFHX2 is on the minus strand). VCF-style: chr14-23531576-C-T. GRCh37 (hg19) VCF-style: chr14-24000785-C-T.
Other names: short protein forms R902H.
Identifiers: ClinVar variation 3038385 (VCV003038385.2), dbSNP rs148020870, ClinGen allele CA7117052.